The following is an entry in ClinVar:

NM_152743.4(BRAT1):c.1558G>A (p.Ala520Thr)

Gene: BRAT1 (BRCA1 associated ATM activator 1; minus strand). Cytogenetic location: 7p22.3.
Variant type: single nucleotide variant.
Coding change: c.1558G>A on transcript NM_152743.4 (MANE Select); coding-DNA position 1558, G replaced by A.
Protein change: p.Ala520Thr; replaces alanine 520 with threonine.
Molecular consequence: missense variant. On other transcripts: non-coding transcript variant (1).
Genome position (GRCh38, 1-based): chr7:2,539,583, C>T on the plus strand (G>A on the coding strand, the complement: BRAT1 is on the minus strand). VCF-style: chr7-2539583-C-T. GRCh37 (hg19) VCF-style: chr7-2579217-C-T.
Other names: c.1558G>A, p.Ala520Thr (NM_001350626.2); c.1033G>A, p.Ala345Thr (NM_001350627.2); short protein forms A345T, A520T.
Identifiers: ClinVar variation 2144625 (VCV002144625.4), dbSNP rs1345256063, ClinGen allele CA366627596.

ClinVar aggregate classification (germline): Uncertain significance (1 of 4 stars; one submission).

Conditions:
Neonatal-onset encephalopathy with rigidity and seizures. Also called: Lethal neonatal spasticity-epileptic encephalopathy syndrome. Identifiers: Orphanet 435845, MedGen C3281029, MONDO:0013784, OMIM 614498.

gnomAD v4.1: 6 of 1,585,854 alleles (0.00038%); highest among the groups gnomAD compares: East Asian, 0.0023%; no homozygotes.

Submission:

Labcorp Genetics (formerly Invitae), Labcorp
Classification: Uncertain significance for Neonatal-onset encephalopathy with rigidity and seizures. Last evaluated: 2022-05-10. Review status: criteria provided, single submitter. Criteria: Invitae Variant Classification Sherloc (09022015). Collection method: clinical testing. Allele origin: germline.
Comment: This variant has not been reported in the literature in individuals affected with BRAT1-related conditions. The frequency data for this variant in the population databases is considered unreliable, as metrics indicate poor data quality at this position in the gnomAD database. This sequence change replaces alanine, which is neutral and non-polar, with threonine, which is neutral and polar, at codon 520 of the BRAT1 protein (p.Ala520Thr). Algorithms developed to predict the effect of missense changes on protein structure and function output the following: SIFT: "Tolerated"; PolyPhen-2: "Benign"; Align-GVGD: "Class C0". The threonine amino acid residue is found in multiple mammalian species, which suggests that this missense change does not adversely affect protein function. In summary, the available evidence is currently insufficient to determine the role of this variant in disease. Therefore, it has been classified as a Variant of Uncertain Significance.